The following is an entry in ClinVar:

NM_022114.4(PRDM16):c.1641C>T (p.Leu547=)

Gene: PRDM16 (PR/SET domain 16; plus strand). Cytogenetic location: 1p36.32.
Variant type: single nucleotide variant.
Coding change: c.1641C>T on transcript NM_022114.4 (MANE Select); coding-DNA position 1641, C replaced by T.
Protein change: p.Leu547=; no amino-acid change (leucine 547 retained).
Molecular consequence: synonymous variant.
Genome position (GRCh38, 1-based): chr1:3,411,838, C>T. VCF-style: chr1-3411838-C-T. GRCh37 (hg19) VCF-style: chr1-3328402-C-T.
Other names: c.1641C>T, p.Leu547= (NM_199454.3).
Identifiers: ClinVar variation 3772141 (VCV003772141.13).

ClinVar aggregate classification (germline): Likely benign (1 of 4 stars; one submission).

Submission:

CeGaT Center for Human Genetics Tuebingen
Classification: Likely benign. Last evaluated: 2024-12-01. Review status: criteria provided, single submitter. Criteria: CeGaT Center For Human Genetics Tuebingen Variant Classification Criteria Version 2. Collection method: clinical testing. Allele origin: germline. Affected: yes. Observed: 1 variant allele.
Comment: PRDM16: PM2:Supporting, BP4, BP7